The following is an entry in ClinVar:

ClinVar aggregate classification (germline): Likely benign. Review status: criteria provided, multiple submitters, no conflicts (2 of 4 stars). 2 submissions from 2 submitters: Likely benign (2). Last evaluated 2025-03-04.

Conditions:
Hereditary diffuse gastric adenocarcinoma (HDGC). Also called: DIFFUSE GASTRIC AND LOBULAR BREAST CANCER SYNDROME. Identifiers: Orphanet 26106, MedGen C1708349, MONDO:0007648, OMIM 137215.

Allele frequency attached by ClinVar (database versions not stated): gnomAD 0.00083; ESP Exome Variant Server 0.00092; 1000 Genomes Project 0.00120; 1000 Genomes Project 30x 0.00125.
gnomAD v4.1: 1,514 of 1,578,842 alleles (0.096%); highest among the groups gnomAD compares: Middle Eastern, 1.7%; 6 homozygotes.

Submissions (2):

Center for Genomic Medicine, Rigshospitalet, Copenhagen University Hospital
Classification: Likely benign. Last evaluated: 2025-03-04. Review status: criteria provided, single submitter. Criteria: ACMG Guidelines, 2015. Collection method: clinical testing. Allele origin: germline.

European Reference Network on Genetic Tumour Risk Syndromes (ERN-GENTURIS), i3s - Instituto de Investigação e Inovação em Saúde, University of Porto
Classification: Likely benign for Hereditary diffuse gastric adenocarcinoma. Last evaluated: 2022-08-01. Review status: criteria provided, single submitter. Criteria: Lee et al. (Hum Mutat. 2018). Collection method: clinical testing. Allele origin: germline. Inheritance: Autosomal dominant inheritance. Affected: no. Study: ERN GENTURIS.
Comment: BS1; BS2_Supporting (PMID: 30311375)

Literature cited by the submitters: PubMed 36436516 (cited by European Reference Network on Genetic Tumour Risk Syndromes (ERN-GENTURIS), i3s - Instituto de Investigação e Inovação em Saúde, University of Porto).

NM_004360.5(CDH1):c.387+27C>T

Gene: CDH1 (cadherin 1; plus strand). Cytogenetic location: 16q22.1.
Variant type: single nucleotide variant.
Coding change: c.387+27C>T on transcript NM_004360.5 (MANE Select); 27 bases into the intron after coding-DNA position 387, C replaced by T.
Molecular consequence: intron variant.
Genome position (GRCh38, 1-based): chr16:68,801,920, C>T. VCF-style: chr16-68801920-C-T. GRCh37 (hg19) VCF-style: chr16-68835823-C-T.
Other names: c.387+27C>T (NM_004360.4, NM_001317184.2); c.-1229+27C>T (NM_001317185.2); c.-1433+27C>T (NM_001317186.2).
Identifiers: ClinVar variation 1697776 (VCV001697776.8), dbSNP rs33932809, ClinGen allele CA8129846.